The following is an entry in ClinVar:

ClinVar aggregate classification (germline): Pathogenic (1 of 4 stars; one submission).

Conditions:
Pseudo-Hurler polydystrophy. Also called: ML III; ML III ALPHA/BETA; MUCOLIPIDOSIS IIIA; Type III Mucolipidosis; ML IIIA; Mucolipidosis III Alpha/Beta. Identifiers: Orphanet 423461, Orphanet 577, MedGen C0033788, MONDO:0018931, OMIM 252600.
Mucolipidosis type II. Also called: ML II ALPHA/BETA; Mucolipidosis 2; ML 2; Inclusion cell disease; Leroy Disease; N-acetylglucosamine 1phosphotransferase deficiency. Identifiers: Orphanet 576, MedGen C2673377, MONDO:0009650, OMIM 252500.

Submission:

Labcorp Genetics (formerly Invitae), Labcorp
Classification: Pathogenic for Pseudo-Hurler polydystrophy; Mucolipidosis type II. Last evaluated: 2021-01-10. Review status: criteria provided, single submitter. Criteria: Invitae Variant Classification Sherloc (09022015). Collection method: clinical testing. Allele origin: germline.
Comment: For these reasons, this variant has been classified as Pathogenic. This variant has not been reported in the literature in individuals with GNPTAB-related conditions. This variant is not present in population databases (ExAC no frequency). This sequence change creates a premature translational stop signal (p.Arg375Serfs*10) in the GNPTAB gene. It is expected to result in an absent or disrupted protein product. Loss-of-function variants in GNPTAB are known to be pathogenic (PMID: 19617216, 25107912).

Literature cited by the submitters: PubMed 19617216; PubMed 25107912.

NM_024312.5(GNPTAB):c.1122dup (p.Arg375fs)

Gene: GNPTAB (N-acetylglucosamine-1-phosphate transferase subunits alpha and beta; minus strand). Cytogenetic location: 12q23.2.
Variant type: Duplication.
Coding change: c.1122dup on transcript NM_024312.5 (MANE Select); coding-DNA position 1122, one base duplicated (T; older notation c.1122dupT).
Protein change: p.Arg375fs; shifts the reading frame from arginine 375.
Molecular consequence: frameshift variant.
Genome position (GRCh38, 1-based): chr12:101,770,183, A duplicated on the plus strand (T on the coding strand, the reverse complement: GNPTAB is on the minus strand); the first of 5 consecutive A bases (chr12:101,770,183-101,770,187); duplicating any one gives the same sequence. VCF-style (leftmost placement, unchanged base first): chr12-101770182-G-GA. GRCh37 (hg19) VCF-style: chr12-102163960-G-GA.
Other names: short protein forms R375fs.
Identifiers: ClinVar variation 1437885 (VCV001437885.6), dbSNP rs2137123723, ClinGen allele CA2573147961.